The following is an entry in ClinVar:

NM_212482.4(FN1):c.1012A>G (p.Asn338Asp)

Gene: FN1 (fibronectin 1; minus strand). Cytogenetic location: 2q35.
Variant type: single nucleotide variant.
Coding change: c.1012A>G on transcript NM_212482.4 (MANE Select); coding-DNA position 1012, A replaced by G.
Protein change: p.Asn338Asp; replaces asparagine 338 with aspartic acid.
Molecular consequence: missense variant.
Genome position (GRCh38, 1-based): chr2:215,425,118, T>C on the plus strand (A>G on the coding strand, the complement: FN1 is on the minus strand). VCF-style: chr2-215425118-T-C. GRCh37 (hg19) VCF-style: chr2-216289841-T-C.
Other names: c.1012A>G, p.Asn338Asp (NM_001306129.2, NM_001306130.2, NM_001306131.2 and 14 more transcripts); short protein forms N338D.
Identifiers: ClinVar variation 3897108 (VCV003897108.1).

ClinVar aggregate classification (germline): Uncertain significance (1 of 4 stars; one submission).

gnomAD v4.1: 1 of 1,614,258 alleles (0.000062%); highest among the groups gnomAD compares: Non-Finnish European, 0.000085%; no homozygotes.

Submission:

GeneDx
Classification: Uncertain significance. Last evaluated: 2024-11-01. Review status: criteria provided, single submitter. Criteria: GeneDx Variant Classification Process June 2021. Collection method: clinical testing. Allele origin: germline. Affected: yes.
Comment: Not observed at significant frequency in large population cohorts (gnomAD); In silico analysis indicates that this missense variant does not alter protein structure/function; Has not been previously published as pathogenic or benign to our knowledge